The following is an entry in ClinVar:

NM_000212.3(ITGB3):c.122A>G (p.Gln41Arg)

Gene: ITGB3 (integrin subunit beta 3; plus strand). Cytogenetic location: 17q21.32.
Variant type: single nucleotide variant.
Coding change: c.122A>G on transcript NM_000212.3 (MANE Select); coding-DNA position 122, A replaced by G.
Protein change: p.Gln41Arg; replaces glutamine 41 with arginine.
Molecular consequence: missense variant.
Genome position (GRCh38, 1-based): chr17:47,274,461, A>G. VCF-style: chr17-47274461-A-G. GRCh37 (hg19) VCF-style: chr17-45351827-A-G.
Other names: short protein forms Q41R.
Identifiers: ClinVar variation 3384952 (VCV003384952.2).
Genomic context (GRCh38, chr17:47,274,461, plus strand): 5'-TTTGTCTGTCTGTTGCAGGGCCCAACATCTGTACCACGCGAGGTGTGAGCTCCTGCCAGC[A>G]GTGCCTGGCTGTGAGCCCCATGTGTGCCTGGTGCTCTGATGAGGTAAGGAGCAGATACCA-3'
Protein context (NP_000203.2, residues 31-51): CTTRGVSSCQ[Gln41Arg]CLAVSPMCAW

ClinVar aggregate classification (germline): Uncertain significance. Review status: criteria provided, multiple submitters, no conflicts (2 of 4 stars). 2 submissions from 2 submitters: Uncertain significance (2). Last evaluated 2025-02-12.

gnomAD v4.1: 10 of 1,613,748 alleles (0.00062%); highest among the groups gnomAD compares: African/African-American, 0.012%; no homozygotes.

Submissions (2):

Labcorp Genetics (formerly Invitae), Labcorp
Classification: Uncertain significance. Last evaluated: 2025-02-12. Review status: criteria provided, single submitter. Criteria: Invitae Variant Classification Sherloc (09022015). Collection method: clinical testing. Allele origin: germline.
Comment: This sequence change replaces glutamine, which is neutral and polar, with arginine, which is basic and polar, at codon 41 of the ITGB3 protein (p.Gln41Arg). This variant is present in population databases (rs368427993, gnomAD 0.007%). This variant has not been reported in the literature in individuals affected with ITGB3-related conditions. ClinVar contains an entry for this variant (Variation ID: 3384952). Invitae Evidence Modeling of protein sequence and biophysical properties (such as structural, functional, and spatial information, amino acid conservation, physicochemical variation, residue mobility, and thermodynamic stability) has been performed for this missense variant. However, the output from this modeling did not meet the statistical confidence thresholds required to predict the impact of this variant on ITGB3 protein function. In summary, the available evidence is currently insufficient to determine the role of this variant in disease. Therefore, it has been classified as a Variant of Uncertain Significance.

Women's Health and Genetics/Laboratory Corporation of America, LabCorp
Classification: Uncertain significance. Last evaluated: 2024-10-04. Review status: criteria provided, single submitter. Criteria: LabCorp Variant Classification Summary - May 2015. Collection method: clinical testing. Allele origin: germline.
Comment: Variant summary: ITGB3 c.122A>G (p.Gln41Arg) results in a conservative amino acid change located in the Integrin beta subunit, VWA domain (IPR002369) of the encoded protein sequence. Three of five in-silico tools predict a damaging effect of the variant on protein function. The variant allele was found at a frequency of 4e-06 in 251194 control chromosomes. The available data on variant occurrences in the general population are insufficient to allow any conclusion about variant significance. To our knowledge, no occurrence of c.122A>G in individuals affected with Glanzmann Thrombasthenia 2 and no experimental evidence demonstrating its impact on protein function have been reported. No submitters have cited clinical-significance assessments for this variant to ClinVar. Based on the evidence outlined above, the variant was classified as uncertain significance.